The following is an entry in ClinVar:

NM_022455.5(NSD1):c.7259C>G (p.Pro2420Arg)

Gene: NSD1 (nuclear receptor binding SET domain protein 1; plus strand). Cytogenetic location: 5q35.3.
Variant type: single nucleotide variant.
Coding change: c.7259C>G on transcript NM_022455.5 (MANE Select); coding-DNA position 7259, C replaced by G.
Protein change: p.Pro2420Arg; replaces proline 2420 with arginine.
Molecular consequence: missense variant.
Genome position (GRCh38, 1-based): chr5:177,294,627, C>G. VCF-style: chr5-177294627-C-G. GRCh37 (hg19) VCF-style: chr5-176721628-C-G.
Other names: c.6386C>G, p.Pro2129Arg (NM_001365684.2, NM_001409308.1, NM_172349.5); c.7259C>G, p.Pro2420Arg (NM_001409301.1, NM_001409302.1, NM_001409303.1); c.6839C>G, p.Pro2280Arg (NM_001409304.1); c.6506C>G, p.Pro2169Arg (NM_001409305.1); c.6497C>G, p.Pro2166Arg (NM_001409306.1, NM_001409307.1); c.6137C>G, p.Pro2046Arg (NM_001409309.1); short protein forms P2046R, P2129R, P2166R, P2169R, P2280R, P2420R.
Identifiers: ClinVar variation 3764288 (VCV003764288.1).

ClinVar aggregate classification (germline): Uncertain significance (1 of 4 stars; one submission).

Submission:

GeneDx
Classification: Uncertain significance. Last evaluated: 2024-08-21. Review status: criteria provided, single submitter. Criteria: GeneDx Variant Classification Process June 2021. Collection method: clinical testing. Allele origin: germline. Affected: yes.
Comment: Not observed at significant frequency in large population cohorts (gnomAD); In silico analysis indicates that this missense variant does not alter protein structure/function; Has not been previously published as pathogenic or benign to our knowledge